The following is an entry in ClinVar:

NM_020937.4(FANCM):c.3841A>G (p.Ile1281Val)

Gene: FANCM (FA complementation group M; plus strand). Cytogenetic location: 14q21.2.
Variant type: single nucleotide variant.
Coding change: c.3841A>G on transcript NM_020937.4 (MANE Select); coding-DNA position 3841, A replaced by G.
Protein change: p.Ile1281Val; replaces isoleucine 1281 with valine.
Molecular consequence: missense variant.
Genome position (GRCh38, 1-based): chr14:45,176,595, A>G. VCF-style: chr14-45176595-A-G. GRCh37 (hg19) VCF-style: chr14-45645798-A-G.
Other names: c.3763A>G, p.Ile1255Val (NM_001308133.2); short protein forms I1255V, I1281V.
Identifiers: ClinVar variation 3363751 (VCV003363751.3).
Genomic context (GRCh38, chr14:45,176,595, plus strand): 5'-GGAAGGTATTTGGAAATTAAGGAGATAAGTGATGCAAATTATGTTTCGAATCAAGCACTA[A>G]TACCAAGAGATCATAGTAAAAATTTTACTAGTGGAACTGTTATTATCCCATCAAATGAAG-3'
Protein context (NP_065988.1, residues 1271-1291): DANYVSNQAL[Ile1281Val]PRDHSKNFTS

ClinVar aggregate classification (germline): Uncertain significance. Review status: criteria provided, multiple submitters, no conflicts (2 of 4 stars). 3 submissions from 3 submitters: Uncertain significance (3). Last evaluated 2025-05-23.

Conditions:
Fanconi anemia (FA). Also called: Fanconi's anemia. Identifiers: Orphanet 84, MedGen C0015625, MeSH D005199, MONDO:0019391.
Inborn genetic diseases. Identifiers: MedGen C0950123, MeSH D030342.

gnomAD v4.1: 1 of 1,609,396 alleles (0.000062%); highest among the groups gnomAD compares: South Asian, 0.0011%; no homozygotes.

Submissions (3):

Ambry Genetics
Classification: Uncertain significance for Inborn genetic diseases. Last evaluated: 2025-05-23. Review status: criteria provided, single submitter. Criteria: Ambry Variant Classification Scheme 2023. Collection method: clinical testing. Allele origin: germline.
Comment: The p.I1281V variant (also known as c.3841A>G), located in coding exon 14 of the FANCM gene, results from an A to G substitution at nucleotide position 3841. The isoleucine at codon 1281 is replaced by valine, an amino acid with highly similar properties. This amino acid position is conserved. In addition, this alteration is predicted to be tolerated by in silico analysis. Based on the available evidence, the clinical significance of this variant remains unclear.

Labcorp Genetics (formerly Invitae), Labcorp
Classification: Uncertain significance for Fanconi anemia. Last evaluated: 2025-03-11. Review status: criteria provided, single submitter. Criteria: Invitae Variant Classification Sherloc (09022015). Collection method: clinical testing. Allele origin: germline.
Comment: This sequence change replaces isoleucine, which is neutral and non-polar, with valine, which is neutral and non-polar, at codon 1281 of the FANCM protein (p.Ile1281Val). This variant is not present in population databases (gnomAD no frequency). This variant has not been reported in the literature in individuals affected with FANCM-related conditions. ClinVar contains an entry for this variant (Variation ID: 3363751). An algorithm developed to predict the effect of missense changes on protein structure and function outputs the following: PolyPhen-2: "Benign". The valine amino acid residue is found in multiple mammalian species, which suggests that this missense change does not adversely affect protein function. In summary, the available evidence is currently insufficient to determine the role of this variant in disease. Therefore, it has been classified as a Variant of Uncertain Significance.

GeneDx
Classification: Uncertain significance. Last evaluated: 2023-11-02. Review status: criteria provided, single submitter. Criteria: GeneDx Variant Classification Process June 2021. Collection method: clinical testing. Allele origin: germline. Affected: yes.
Comment: Not observed at significant frequency in large population cohorts (gnomAD); In silico analysis supports that this missense variant does not alter protein structure/function; Has not been previously published as pathogenic or benign to our knowledge